The following is an entry in ClinVar:

ClinVar aggregate classification (germline): Uncertain significance. Review status: criteria provided, multiple submitters, no conflicts (2 of 4 stars). 2 submissions from 2 submitters: Uncertain significance (2). Last evaluated 2022-01-20.

Conditions:
Neonatal diabetes mellitus with congenital hypothyroidism. Also called: NDH SYNDROME. Identifiers: Orphanet 79118, MedGen C1857775, MONDO:0012436, OMIM 610199.
Monogenic diabetes. Identifiers: Orphanet 183625, MedGen C3888631, MONDO:0015967.

Allele frequency attached by ClinVar (database versions not stated): TOPMed 0.00003; ESP Exome Variant Server 0.00008.
gnomAD v4.1: 58 of 1,614,060 alleles (0.0036%); highest among the groups gnomAD compares: Non-Finnish European, 0.0049%; no homozygotes.

Submissions (2):

Fulgent Genetics
Classification: Uncertain significance for Neonatal diabetes mellitus with congenital hypothyroidism. Last evaluated: 2022-01-20. Review status: criteria provided, single submitter. Criteria: ACMG Guidelines, 2015. Collection method: clinical testing. Allele origin: unknown.

Personalized Diabetes Medicine Program, University of Maryland School of Medicine
Classification: Uncertain significance for Monogenic diabetes. Last evaluated: 2017-12-21. Review status: criteria provided, single submitter. Criteria: ACMG Guidelines, 2015. Collection method: research. Allele origin: unknown. Observed: 2 variant alleles, 2 heterozygotes.
Comment: ACMG criteria: PP3 (4 predictors), BP4 (6 predictors) =VUS

NM_001042413.2(GLIS3):c.95G>C (p.Arg32Pro)

Gene: GLIS3 (GLIS family zinc finger 3; minus strand). Cytogenetic location: 9p24.2.
Variant type: single nucleotide variant.
Coding change: c.95G>C on transcript NM_001042413.2 (MANE Select); coding-DNA position 95, G replaced by C.
Protein change: p.Arg32Pro; replaces arginine 32 with proline.
Molecular consequence: missense variant.
Genome position (GRCh38, 1-based): chr9:4,286,331, C>G on the plus strand (G>C on the coding strand, the complement: GLIS3 is on the minus strand). VCF-style: chr9-4286331-C-G. GRCh37 (hg19) VCF-style: chr9-4286331-C-G.
Other names: short protein forms R32P.
Identifiers: ClinVar variation 917457 (VCV000917457.3), dbSNP rs375834888, ClinGen allele CA4968705.